The following is an entry in ClinVar:

ClinVar aggregate classification (germline): Uncertain significance (1 of 4 stars; one submission).

Submission:

Labcorp Genetics (formerly Invitae), Labcorp
Classification: Uncertain significance. Last evaluated: 2019-07-23. Review status: criteria provided, single submitter. Criteria: Invitae Variant Classification Sherloc (09022015). Collection method: clinical testing. Allele origin: germline.
Comment: In summary, the available evidence is currently insufficient to determine the role of this variant in disease. Therefore, it has been classified as a Variant of Uncertain Significance. Nucleotide substitutions within the consensus splice site are a relatively common cause of aberrant splicing (PMID: 17576681, 9536098). Algorithms developed to predict the effect of sequence changes on RNA splicing suggest that this variant may disrupt the consensus splice site, but this prediction has not been confirmed by published transcriptional studies. This variant has not been reported in the literature in individuals with STAG2-related conditions. This variant is not present in population databases (ExAC no frequency). This sequence change falls in intron 29 of the STAG2 gene. It does not directly change the encoded amino acid sequence of the STAG2 protein, but it affects a nucleotide within the consensus splice site of the intron.

Literature cited by the submitters: PubMed 17576681; PubMed 9536098.

NM_001042750.2(STAG2):c.3053+5G>A

Gene: STAG2 (STAG2 cohesin complex component; plus strand). Cytogenetic location: Xq25.
Variant type: single nucleotide variant.
Coding change: c.3053+5G>A on transcript NM_001042750.2 (MANE Select); 5 bases into the intron after coding-DNA position 3053, G replaced by A.
Molecular consequence: intron variant.
Genome position (GRCh38, 1-based): chrX:124,083,554, G>A. VCF-style: chrX-124083554-G-A. GRCh37 (hg19) VCF-style: chrX-123217404-G-A.
Other names: c.3053+5G>A (NM_001042749.2, NM_001282418.2, NM_001375375.1 and 2 more transcripts).
Identifiers: ClinVar variation 963869 (VCV000963869.7), dbSNP rs2059016815, ClinGen allele CA1139667776.
Genomic context (GRCh38, chrX:124,083,554, plus strand): 5'-CTTGATATTCTGAGTGAATTTTCTTCTAAACTACTTCGACAAGACAAAAGAACAGTGTAT[G>A]TATTTGCTGGAAATGTCCTATTTAATTTCATTTTGGGATTCTTAAGGGCAATTTTTATAC-3'